The following is an entry in ClinVar:

ClinVar aggregate classification (germline): Uncertain significance (1 of 4 stars; one submission).

Conditions:
Emery-Dreifuss muscular dystrophy (EDMD). Also called: Scapuloperoneal syndrome, X-linked (formerly); Humeroperoneal neuromuscular disease, (formerly). Identifiers: Orphanet 261, MedGen C0410189, MONDO:0016830.

Allele frequency attached by ClinVar (database versions not stated): gnomAD 0.00001; gnomAD exomes 0.00001; TOPMed 0.00003.
gnomAD v4.1: 12 of 1,614,138 alleles (0.00074%); highest among the groups gnomAD compares: Non-Finnish European, 0.00093%; no homozygotes.

Submission:

Labcorp Genetics (formerly Invitae), Labcorp
Classification: Uncertain significance for Emery-Dreifuss muscular dystrophy. Last evaluated: 2022-03-08. Review status: criteria provided, single submitter. Criteria: Invitae Variant Classification Sherloc (09022015). Collection method: clinical testing. Allele origin: germline.
Comment: Algorithms developed to predict the effect of missense changes on protein structure and function output the following: SIFT: "Tolerated"; PolyPhen-2: "Benign"; Align-GVGD: "Class C0". The isoleucine amino acid residue is found in multiple mammalian species, which suggests that this missense change does not adversely affect protein function. This variant has not been reported in the literature in individuals affected with SUN1-related conditions. This variant is not present in population databases (gnomAD no frequency). This sequence change replaces valine, which is neutral and non-polar, with isoleucine, which is neutral and non-polar, at codon 566 of the SUN1 protein (p.Val566Ile). In summary, the available evidence is currently insufficient to determine the role of this variant in disease. Therefore, it has been classified as a Variant of Uncertain Significance.

NM_001130965.3(SUN1):c.1696G>A (p.Val566Ile)

Gene: SUN1 (Sad1 and UNC84 domain containing 1; plus strand). Cytogenetic location: 7p22.3.
Variant type: single nucleotide variant.
Coding change: c.1696G>A on transcript NM_001130965.3 (MANE Select); coding-DNA position 1696, G replaced by A.
Protein change: p.Val566Ile; replaces valine 566 with isoleucine.
Molecular consequence: missense variant. On other transcripts: non-coding transcript variant (3).
Genome position (GRCh38, 1-based): chr7:860,299, G>A. VCF-style: chr7-860299-G-A. GRCh37 (hg19) VCF-style: chr7-899936-G-A.
Other names: c.1387G>A, p.Val463Ile (NM_001171944.2); c.1696G>A, p.Val566Ile (NM_001367633.1, NM_001367634.1, NM_001367653.1); c.1345G>A, p.Val449Ile (NM_001367635.1); c.1936G>A, p.Val646Ile (NM_001367636.1, NM_001367691.1); c.1804G>A, p.Val602Ile (NM_001367638.1); c.1237G>A, p.Val413Ile (NM_001367639.1); c.1876G>A, p.Val626Ile (NM_001367640.1); c.1978G>A, p.Val660Ile (NM_001367641.1, NM_001367682.1); and 43 more; short protein forms V413I, V449I, V505I, V516I, V533I, V543I, V553I, V580I.
Identifiers: ClinVar variation 1510688 (VCV001510688.6), dbSNP rs910379771, ClinGen allele CA152358014.
Genomic context (GRCh38, chr7:860,299, plus strand): 5'-GACTTGCAGACGATGCTGCGAGACCTGCAGCTGCAGATCCTGCGGAACGTCACCCACCAC[G>A]TTTCCGTGACCAAGCAGCTCCCAACCTCAGAAGCCGTGGTGTCTGCTGTGAGCGAGGCGG-3'
Protein context (NP_001124437.1, residues 556-576): LQILRNVTHH[Val566Ile]SVTKQLPTSE